The following is an entry in ClinVar:

ClinVar aggregate classification (germline): Uncertain significance (1 of 4 stars; one submission).

gnomAD v4.1: 2 of 1,614,118 alleles (0.00012%); highest among the groups gnomAD compares: East Asian, 0.0022%; no homozygotes.

Submission:

Labcorp Genetics (formerly Invitae), Labcorp
Classification: Uncertain significance. Last evaluated: 2025-08-25. Review status: criteria provided, single submitter. Criteria: Invitae Variant Classification Sherloc (09022015). Collection method: clinical testing. Allele origin: germline.
Comment: This sequence change falls in intron 60 of the COL7A1 gene. It does not directly change the encoded amino acid sequence of the COL7A1 protein. It affects a nucleotide within the consensus splice site. This variant is not present in population databases (gnomAD no frequency). This variant has not been reported in the literature in individuals affected with COL7A1-related conditions. Variants that disrupt the consensus splice site are a relatively common cause of aberrant splicing (PMID: 17576681, 9536098). Algorithms developed to predict the effect of sequence changes on RNA splicing suggest that this variant is not likely to affect RNA splicing. In summary, the available evidence is currently insufficient to determine the role of this variant in disease. Therefore, it has been classified as a Variant of Uncertain Significance.

Literature cited by the submitters: PubMed 17576681; PubMed 9536098.

NM_000094.4(COL7A1):c.5308-3C>T

Gene: COL7A1 (collagen type VII alpha 1 chain; minus strand). Cytogenetic location: 3p21.31.
Variant type: single nucleotide variant.
Coding change: c.5308-3C>T on transcript NM_000094.4 (MANE Select); 3 bases into the intron before coding-DNA position 5308, C replaced by T.
Molecular consequence: intron variant.
Genome position (GRCh38, 1-based): chr3:48,579,280, G>A on the plus strand (C>T on the coding strand, the complement: COL7A1 is on the minus strand). VCF-style: chr3-48579280-G-A. GRCh37 (hg19) VCF-style: chr3-48616713-G-A.
Identifiers: ClinVar variation 4771183 (VCV004771183.1).